The following is an entry in ClinVar:

NM_000238.4(KCNH2):c.293T>G (p.Phe98Cys)

Gene: KCNH2 (potassium voltage-gated channel subfamily H member 2; minus strand). Cytogenetic location: 7q36.1.
Variant type: single nucleotide variant.
Coding change: c.293T>G on transcript NM_000238.4 (MANE Select); coding-DNA position 293, T replaced by G.
Protein change: p.Phe98Cys; replaces phenylalanine 98 with cysteine.
Molecular consequence: missense variant.
Genome position (GRCh38, 1-based): chr7:150,974,725, A>C on the plus strand (T>G on the coding strand, the complement: KCNH2 is on the minus strand). VCF-style: chr7-150974725-A-C. GRCh37 (hg19) VCF-style: chr7-150671813-A-C.
Other names: c.116T>G, p.Phe39Cys (NM_001406755.1); c.293T>G, p.Phe98Cys (NM_172056.3); short protein forms F98C, F39C.
Identifiers: ClinVar variation 946662 (VCV000946662.10), dbSNP rs1801930040, ClinGen allele CA369865315.
Genomic context (GRCh38, chr7:150,974,725, plus strand): 5'-TCTTGACCCCGCCCCTGGTCGTGGCCCCGCCCCGGCCCGCTCCTACCATCTTTCCGGTAG[A>C]AGGCGATTTCCACTTTGCGCTCCTCGGCGCCCAGCAGTGCCTGCGCGATCTGCGCGGCAG-3'
Protein context (NP_000229.1, residues 88-108): GAEERKVEIA[Phe98Cys]YRKDGSCFLC

ClinVar aggregate classification (germline): Uncertain significance (1 of 4 stars; one submission).

Conditions:
Long QT syndrome (LQTS). Identifiers: MedGen C0023976, MeSH D008133, MONDO:0002442. Disease mechanism: loss of function. Inheritance: Various modes of inheritance.

Submission:

Labcorp Genetics (formerly Invitae), Labcorp
Classification: Uncertain significance for Long QT syndrome. Last evaluated: 2019-03-29. Review status: criteria provided, single submitter. Criteria: Invitae Variant Classification Sherloc (09022015). Collection method: clinical testing. Allele origin: germline.
Comment: In summary, the available evidence is currently insufficient to determine the role of this variant in disease. Therefore, it has been classified as a Variant of Uncertain Significance. Algorithms developed to predict the effect of missense changes on protein structure and function are either unavailable or do not agree on the potential impact of this missense change (SIFT: "Deleterious"; PolyPhen-2: "Probably Damaging"; Align-GVGD: "Class C0"). This variant has not been reported in the literature in individuals with KCNH2-related conditions. This variant is not present in population databases (ExAC no frequency). This sequence change replaces phenylalanine with cysteine at codon 98 of the KCNH2 protein (p.Phe98Cys). The phenylalanine residue is weakly conserved and there is a large physicochemical difference between phenylalanine and cysteine.